The following is an entry in ClinVar:

ClinVar aggregate classification (germline): Uncertain significance. Review status: criteria provided, multiple submitters, no conflicts (2 of 4 stars). 2 submissions from 2 submitters: Uncertain significance (2). Last evaluated 2025-08-27.

Conditions:
Arrhythmogenic right ventricular dysplasia 13. Also called: ARRHYTHMOGENIC RIGHT VENTRICULAR CARDIOMYOPATHY 13; Arrhythmogenic right ventricular dysplasia, familial, 13. Identifiers: MedGen C3810138, MONDO:0000908, OMIM 615616.

Allele frequency attached by ClinVar (database versions not stated): TOPMed 0.00001.
gnomAD v4.1: 16 of 1,601,188 alleles (0.001%); highest among the groups gnomAD compares: South Asian, 0.0022%; no homozygotes.

Submissions (2):

Ambry Genetics
Classification: Uncertain significance. Last evaluated: 2025-08-27. Review status: criteria provided, single submitter. Criteria: Ambry Variant Classification Scheme 2023. Collection method: clinical testing. Allele origin: germline.

Labcorp Genetics (formerly Invitae), Labcorp
Classification: Uncertain significance for Arrhythmogenic right ventricular dysplasia 13. Last evaluated: 2024-11-05. Review status: criteria provided, single submitter. Criteria: Invitae Variant Classification Sherloc (09022015). Collection method: clinical testing. Allele origin: germline.
Comment: This sequence change replaces arginine, which is basic and polar, with glutamine, which is neutral and polar, at codon 628 of the CTNNA3 protein (p.Arg628Gln). This variant is present in population databases (rs754792055, gnomAD 0.01%). This variant has not been reported in the literature in individuals affected with CTNNA3-related conditions. ClinVar contains an entry for this variant (Variation ID: 409016). Experimental studies and prediction algorithms are not available or were not evaluated, and the functional significance of this variant is currently unknown. In summary, the available evidence is currently insufficient to determine the role of this variant in disease. Therefore, it has been classified as a Variant of Uncertain Significance.

NM_013266.4(CTNNA3):c.1883G>A (p.Arg628Gln)

Gene: CTNNA3 (catenin alpha 3; minus strand). Cytogenetic location: 10q21.3.
Variant type: single nucleotide variant.
Coding change: c.1883G>A on transcript NM_013266.4 (MANE Select); coding-DNA position 1883, G replaced by A.
Protein change: p.Arg628Gln; replaces arginine 628 with glutamine.
Molecular consequence: missense variant.
Genome position (GRCh38, 1-based): chr10:66,280,471, C>T on the plus strand (G>A on the coding strand, the complement: CTNNA3 is on the minus strand). VCF-style: chr10-66280471-C-T. GRCh37 (hg19) VCF-style: chr10-68040229-C-T.
Other names: c.1883G>A, p.Arg628Gln (NM_001127384.3); c.1883G>A (NM_013266.2); short protein forms R628Q.
Identifiers: ClinVar variation 409016 (VCV000409016.7), dbSNP rs754792055, ClinGen allele CA5519789.